The following is an entry in ClinVar:

ClinVar aggregate classification (germline): Uncertain significance (1 of 4 stars; one submission).

Allele frequency attached by ClinVar (database versions not stated): ExAC 0.00001; gnomAD exomes 0.00001.
gnomAD v4.1: 3 of 1,450,644 alleles (0.00021%); highest among the groups gnomAD compares: Non-Finnish European, 0.00027%; no homozygotes.

Submission:

Labcorp Genetics (formerly Invitae), Labcorp
Classification: Uncertain significance. Last evaluated: 2025-10-21. Review status: criteria provided, single submitter. Criteria: Invitae Variant Classification Sherloc (09022015). Collection method: clinical testing. Allele origin: germline.
Comment: This sequence change replaces isoleucine, which is neutral and non-polar, with methionine, which is neutral and non-polar, at codon 484 of the IFT88 protein (p.Ile484Met). The frequency data for this variant in the population databases is considered unreliable, as metrics indicate poor data quality at this position in the gnomAD database. This variant has not been reported in the literature in individuals affected with IFT88-related conditions. ClinVar contains an entry for this variant (Variation ID: 2808176). An algorithm developed to predict the effect of missense changes on protein structure and function (PolyPhen-2) suggests that this variant is likely to be tolerated. In summary, the available evidence is currently insufficient to determine the role of this variant in disease. Therefore, it has been classified as a Variant of Uncertain Significance.

NM_006531.5(IFT88):c.1425A>G (p.Ile475Met)

Gene: IFT88 (intraflagellar transport 88; plus strand). Cytogenetic location: 13q12.11.
Variant type: single nucleotide variant.
Coding change: c.1425A>G on transcript NM_006531.5 (MANE Select); coding-DNA position 1425, A replaced by G.
Protein change: p.Ile475Met; replaces isoleucine 475 with methionine.
Molecular consequence: missense variant. On other transcripts: non-coding transcript variant (4).
Genome position (GRCh38, 1-based): chr13:20,638,370, A>G. VCF-style: chr13-20638370-A-G. GRCh37 (hg19) VCF-style: chr13-21212509-A-G.
Other names: c.1368A>G, p.Ile456Met (NM_001318491.2, NM_001353575.2); c.1452A>G, p.Ile484Met (NM_001318493.2, NM_001353565.2, NM_001353566.2 and 2 more transcripts); c.1425A>G, p.Ile475Met (NM_001353568.2, NM_001353572.2); c.1350A>G, p.Ile450Met (NM_001353569.2, NM_001353570.2, NM_001353576.2 and 1 more transcripts); c.1323A>G, p.Ile441Met (NM_001353571.2, NM_001353578.2); c.1281A>G, p.Ile427Met (NM_001353573.2); c.1266A>G, p.Ile422Met (NM_001353574.2); c.792A>G, p.Ile264Met (NM_001353579.2); short protein forms I264M, I422M, I450M, I441M, I456M, I475M, I427M, I484M.
Identifiers: ClinVar variation 2808176 (VCV002808176.3), dbSNP rs746171601, ClinGen allele CA6905418.